The following is an entry in ClinVar:

ClinVar aggregate classification (germline): Likely pathogenic (0 of 4 stars; one submission).

Conditions:
GATA1-related disorder. Also called: GATA1-related condition.

Submission:

PreventionGenetics, part of Exact Sciences
Classification: Likely pathogenic for GATA1-related condition. Last evaluated: 2024-04-03. Review status: no assertion criteria provided. Collection method: clinical testing. Allele origin: germline.
Comment: The GATA1 c.1_10del10 variant is predicted to disrupt the translation initiation site (Start loss). To our knowledge, this variant has not been reported in the literature or in a large population database, indicating this variant is rare. This variant is interpreted as likely pathogenic.

NM_002049.4(GATA1):c.1_10del (p.Met1fs)

Gene: GATA1 (GATA binding protein 1; plus strand). Cytogenetic location: Xp11.23.
Variant type: Deletion.
Coding change: c.1_10del on transcript NM_002049.4 (MANE Select); coding-DNA positions 1 to 10, 10 bases deleted (ATGGAGTTCC; older notation c.1_10delATGGAGTTCC).
Protein change: p.Met1fs; shifts the reading frame from methionine 1.
Molecular consequence: frameshift variant, initiator codon variant.
Genome position (GRCh38, 1-based): chrX:48,791,110-48,791,119, ATGGAGTTCC deleted; deleting any 10 consecutive bases within chrX:48,791,107-48,791,119 gives the same sequence; the c. name uses the placement nearest the transcript's 3' end. VCF-style (leftmost placement, unchanged base first): chrX-48791106-CTCCATGGAGT-C. GRCh37 (hg19) VCF-style: chrX-48649513-CTCCATGGAGT-C.
Other names: c.1_10del10 (NM_002049.3); short protein forms M1fs.
Identifiers: ClinVar variation 3348755 (VCV003348755.1).
Genomic context (GRCh38, chrX:48,791,106, plus strand): 5'-GGGGGGAAGGATTTCTGTGTCTGAGGACCCCTTCTGTCCTCGCAGGTTAATCCCCAGAGG[CTCCATGGAGT>C]TCCCTGGCCTGGGGTCCCTGGGGACCTCAGAGCCCCTCCCCCAGTTTGTGGATCCTGCTC-3'